The following is an entry in ClinVar:

NM_021930.6(RINT1):c.1429G>C (p.Asp477His)

Gene: RINT1 (RAD50 interactor 1; plus strand). Cytogenetic location: 7q22.3.
Variant type: single nucleotide variant.
Coding change: c.1429G>C on transcript NM_021930.6 (MANE Select); coding-DNA position 1429, G replaced by C.
Protein change: p.Asp477His; replaces aspartic acid 477 with histidine.
Molecular consequence: missense variant. On other transcripts: non-coding transcript variant (1).
Genome position (GRCh38, 1-based): chr7:105,551,665, G>C. VCF-style: chr7-105551665-G-C. GRCh37 (hg19) VCF-style: chr7-105192112-G-C.
Other names: c.1195G>C, p.Asp399His (NM_001346599.2); c.406G>C, p.Asp136His (NM_001346600.2, NM_001346603.2); c.505G>C, p.Asp169His (NM_001346601.2); short protein forms D136H, D169H, D477H, D399H.
Identifiers: ClinVar variation 2294951 (VCV002294951.3), dbSNP rs2485137301, ClinGen allele CA368810330.
Genomic context (GRCh38, chr7:105,551,665, plus strand): 5'-GAAGCTGCCTGGGTATCGCAATATAAGGATATCACTGACGTGGATGAAATGAAAGTTCCA[G>C]ATTGTGCAGAAACTTTTATGACTCTACTCTTGGTTATAACTGGTAAGTATGTCTTTTAAG-3'
Protein context (NP_068749.3, residues 467-487): ITDVDEMKVP[Asp477His]CAETFMTLLL

ClinVar aggregate classification (germline): Uncertain significance. Review status: criteria provided, multiple submitters, no conflicts (2 of 4 stars). 2 submissions from 2 submitters: Uncertain significance (2). Last evaluated 2024-04-25.

Conditions:
Infantile liver failure syndrome 3. Identifiers: MedGen C5231437, MONDO:0032844, OMIM 618641.

Submissions (2):

Fulgent Genetics
Classification: Uncertain significance for Infantile liver failure syndrome 3. Last evaluated: 2024-04-25. Review status: criteria provided, single submitter. Criteria: ACMG Guidelines, 2015. Collection method: clinical testing. Allele origin: germline.

Ambry Genetics
Classification: Uncertain significance. Last evaluated: 2023-02-25. Review status: criteria provided, single submitter. Criteria: Ambry Variant Classification Scheme 2023. Collection method: clinical testing. Allele origin: germline.
Comment: The p.D477H variant (also known as c.1429G>C), located in coding exon 10 of the RINT1 gene, results from a G to C substitution at nucleotide position 1429. The aspartic acid at codon 477 is replaced by histidine, an amino acid with similar properties. This amino acid position is conserved. In addition, the in silico prediction for this alteration is inconclusive. Since supporting evidence is limited at this time, the clinical significance of this alteration remains unclear.